The following is an entry in ClinVar:

NM_000051.4(ATM):c.5496+4A>G

Gene: ATM (ATM serine/threonine kinase; plus strand). Cytogenetic location: 11q22.3.
Variant type: single nucleotide variant.
Coding change: c.5496+4A>G on transcript NM_000051.4 (MANE Select); 4 bases into the intron after coding-DNA position 5496, A replaced by G.
Molecular consequence: intron variant.
Genome position (GRCh38, 1-based): chr11:108,303,033, A>G. VCF-style: chr11-108303033-A-G. GRCh37 (hg19) VCF-style: chr11-108173760-A-G.
Other names: c.5496+4A>G (NM_001351834.2).
Identifiers: ClinVar variation 629019 (VCV000629019.8), dbSNP rs1565479590, ClinGen allele CA913188459.

ClinVar aggregate classification (germline): Uncertain significance. Review status: criteria provided, multiple submitters, no conflicts (2 of 4 stars). 4 submissions from 4 submitters: Uncertain significance (4). Last evaluated 2025-03-12.

Conditions:
Hereditary cancer-predisposing syndrome. Also called: Tumor predisposition; Neoplastic Syndromes, Hereditary; Hereditary Cancer Syndrome; Hereditary neoplastic syndrome. Identifiers: Orphanet 140162, MedGen C0027672, MeSH D009386, MONDO:0015356.
Familial cancer of breast. Also called: BREAST CANCER, FAMILIAL; Hereditary breast cancer; hereditary breast carcinoma. Identifiers: Orphanet 227535, MedGen C0346153, MONDO:0016419, OMIM 114480. Disease mechanism: loss of function.
Ataxia-telangiectasia syndrome (AT). Also called: ATAXIA-TELANGIECTASIA, COMPLEMENTATION GROUP A; ATAXIA-TELANGIECTASIA, FRESNO VARIANT; LOUIS-BAR SYNDROME; Ataxia telangiectasia (A-T); Cerebello-oculocutaneous telangiectasia; Immunodeficiency with ataxia telangiectasia. Identifiers: Orphanet 100, MedGen C0004135, MONDO:0008840, OMIM 208900.

Allele frequency attached by ClinVar (database versions not stated): gnomAD exomes below 0.00001.
gnomAD v4.1: 6 of 1,608,868 alleles (0.00037%); highest among the groups gnomAD compares: Non-Finnish European, 0.00051%; no homozygotes.

Submissions (4):

Ambry Genetics
Classification: Uncertain significance for Hereditary cancer-predisposing syndrome. Last evaluated: 2025-03-12. Review status: criteria provided, single submitter. Criteria: Ambry Variant Classification Scheme 2023. Collection method: clinical testing. Allele origin: germline.
Comment: The c.5496+4A>G intronic variant results from an A to G substitution 4 nucleotides after coding exon 35 in the ATM gene. This nucleotide position is highly conserved in available vertebrate species. In silico splice site analysis predicts that this alteration will weaken the native splice donor site; however, direct evidence is insufficient at this time (Ambry internal data). Since supporting evidence is limited at this time, the clinical significance of this alteration remains unclear.

Labcorp Genetics (formerly Invitae), Labcorp
Classification: Uncertain significance for Ataxia-telangiectasia syndrome. Last evaluated: 2025-01-12. Review status: criteria provided, single submitter. Criteria: Invitae Variant Classification Sherloc (09022015). Collection method: clinical testing. Allele origin: germline.
Comment: This sequence change falls in intron 36 of the ATM gene. It does not directly change the encoded amino acid sequence of the ATM protein. It affects a nucleotide within the consensus splice site. This variant is not present in population databases (gnomAD no frequency). This variant has not been reported in the literature in individuals affected with ATM-related conditions. ClinVar contains an entry for this variant (Variation ID: 629019). Variants that disrupt the consensus splice site are a relatively common cause of aberrant splicing (PMID: 17576681, 9536098). Algorithms developed to predict the effect of sequence changes on RNA splicing suggest that this variant may disrupt the consensus splice site. In summary, the available evidence is currently insufficient to determine the role of this variant in disease. Therefore, it has been classified as a Variant of Uncertain Significance.

Baylor Genetics
Classification: Uncertain significance for Familial cancer of breast. Last evaluated: 2024-02-23. Review status: criteria provided, single submitter. Criteria: ACMG Guidelines, 2015. Collection method: clinical testing. Allele origin: unknown.

Color Diagnostics, LLC DBA Color Health
Classification: Uncertain significance for Hereditary cancer-predisposing syndrome. Last evaluated: 2018-08-13. Review status: criteria provided, single submitter. Criteria: ACMG Guidelines, 2015. Collection method: clinical testing. Allele origin: germline.

Literature cited by the submitters: PubMed 17576681 (cited by Labcorp Genetics (formerly Invitae), Labcorp); PubMed 9536098 (cited by Labcorp Genetics (formerly Invitae), Labcorp).